The following is an entry in ClinVar:

ClinVar aggregate classification (germline): Uncertain significance (1 of 4 stars; one submission).

Allele frequency attached by ClinVar (database versions not stated): gnomAD 0.00001.
gnomAD v4.1: 11 of 1,613,790 alleles (0.00068%); highest among the groups gnomAD compares: Admixed American, 0.0033%; no homozygotes.

Submission:

Labcorp Genetics (formerly Invitae), Labcorp
Classification: Uncertain significance. Last evaluated: 2022-05-18. Review status: criteria provided, single submitter. Criteria: Invitae Variant Classification Sherloc (09022015). Collection method: clinical testing. Allele origin: germline.
Comment: In summary, the available evidence is currently insufficient to determine the role of this variant in disease. Therefore, it has been classified as a Variant of Uncertain Significance. Algorithms developed to predict the effect of missense changes on protein structure and function output the following: SIFT: "Not Available"; PolyPhen-2: "Not Available"; Align-GVGD: "Not Available". The arginine amino acid residue is found in multiple mammalian species, which suggests that this missense change does not adversely affect protein function. This variant has not been reported in the literature in individuals affected with REEP6-related conditions. This variant is not present in population databases (gnomAD no frequency). This sequence change replaces lysine, which is basic and polar, with arginine, which is basic and polar, at codon 72 of the REEP6 protein (p.Lys72Arg).

NM_138393.4(REEP6):c.215A>G (p.Lys72Arg)

Gene: REEP6 (receptor accessory protein 6; plus strand). Cytogenetic location: 19p13.3.
Variant type: single nucleotide variant.
Coding change: c.215A>G on transcript NM_138393.4 (MANE Select); coding-DNA position 215, A replaced by G.
Protein change: p.Lys72Arg; replaces lysine 72 with arginine.
Molecular consequence: missense variant.
Genome position (GRCh38, 1-based): chr19:1,495,474, A>G. VCF-style: chr19-1495474-A-G. GRCh37 (hg19) VCF-style: chr19-1495473-A-G.
Other names: c.215A>G, p.Lys72Arg (NM_001329556.3); short protein forms K72R.
Identifiers: ClinVar variation 1955271 (VCV001955271.5), dbSNP rs1476302792, ClinGen allele CA403056566.